The following is an entry in ClinVar:

ClinVar aggregate classification (germline): Conflicting classifications of pathogenicity. Review status: criteria provided, conflicting classifications (1 of 4 stars). 3 submissions from 3 submitters: Uncertain significance (1); Likely benign (2). Last evaluated 2026-01-05.

Conditions:
Developmental and epileptic encephalopathy, 30 (DEE30). Also called: Epileptic encephalopathy, early infantile, 30. Identifiers: MedGen C4225360, MONDO:0014595, OMIM 616341.
Inborn genetic diseases. Identifiers: MedGen C0950123, MeSH D030342.

Submissions (3):

Labcorp Genetics (formerly Invitae), Labcorp
Classification: Likely benign for Developmental and epileptic encephalopathy, 30. Last evaluated: 2026-01-05. Review status: criteria provided, single submitter. Criteria: Invitae Variant Classification Sherloc (09022015). Collection method: clinical testing. Allele origin: germline.

Women's Health and Genetics/Laboratory Corporation of America, LabCorp
Classification: Uncertain significance. Last evaluated: 2024-12-10. Review status: criteria provided, single submitter. Criteria: LabCorp Variant Classification Summary - May 2015. Collection method: clinical testing. Allele origin: germline.
Comment: Variant summary: SIK1 c.1463-5C>T alters a non-conserved nucleotide located close to a canonical splice site and therefore could affect mRNA splicing, leading to a significantly altered protein sequence. Consensus agreement among computation tools predict no significant impact on normal splicing. However, these predictions have yet to be confirmed by functional studies. The variant allele was found at a frequency of 7.5e-05 in 239872 control chromosomes. This frequency is not significantly higher than estimated for a pathogenic variant in SIK1 causing Developmental And Epileptic Encephalopathy, 30, allowing no conclusion about variant significance. To our knowledge, no occurrence of c.1463-5C>T in individuals affected with Developmental And Epileptic Encephalopathy, 30 and no experimental evidence demonstrating its impact on protein function have been reported. ClinVar contains an entry for this variant (Variation ID: 476083). Based on the evidence outlined above, the variant was classified as uncertain significance.

Ambry Genetics
Classification: Likely benign for Inborn genetic diseases. Last evaluated: 2023-04-11. Review status: criteria provided, single submitter. Criteria: Ambry Variant Classification Scheme 2023. Collection method: clinical testing. Allele origin: germline.

NM_173354.5(SIK1):c.1463-5C>T

Gene: SIK1 (salt inducible kinase 1; minus strand). Cytogenetic location: 21q22.3.
Variant type: single nucleotide variant.
Coding change: c.1463-5C>T on transcript NM_173354.5 (MANE Select); 5 bases into the intron before coding-DNA position 1463, C replaced by T.
Molecular consequence: intron variant.
Genome position (GRCh38, 1-based): chr21:43,418,546, G>A on the plus strand (C>T on the coding strand, the complement: SIK1 is on the minus strand). VCF-style: chr21-43418546-G-A. GRCh37 (hg19) VCF-style: chr21-44838426-G-A.
Identifiers: ClinVar variation 476083 (VCV000476083.17), dbSNP rs375664122, ClinGen allele CA321325562.